The following is an entry in ClinVar:

NM_005120.3(MED12):c.1986C>T (p.Leu662=)

Gene: MED12 (mediator complex subunit 12; plus strand). Cytogenetic location: Xq13.1.
Variant type: single nucleotide variant.
Coding change: c.1986C>T on transcript NM_005120.3 (MANE Select); coding-DNA position 1986, C replaced by T.
Protein change: p.Leu662=; no amino-acid change (leucine 662 retained).
Molecular consequence: synonymous variant.
Genome position (GRCh38, 1-based): chrX:71,124,775, C>T. VCF-style: chrX-71124775-C-T. GRCh37 (hg19) VCF-style: chrX-70344625-C-T.
Other names: p.Leu662=; c.1986C>T (NM_005120.2).
Identifiers: ClinVar variation 2075015 (VCV002075015.6), dbSNP rs777329342, ClinGen allele CA330977157.

ClinVar aggregate classification (germline): Likely benign. Review status: criteria provided, multiple submitters, no conflicts (2 of 4 stars). 3 submissions from 3 submitters: Likely benign (3). Last evaluated 2026-08-16.

Conditions:
Familial thoracic aortic aneurysm and aortic dissection (TAAD). Also called: Thoracic aortic aneurysms and dissections. Identifiers: Orphanet 91387, MedGen C4707243, MONDO:0019625.
FG syndrome (FGS). Identifiers: MedGen C0220769, MONDO:0002010.

gnomAD v4.1: 22 of 1,209,761 alleles (0.0018%); highest among the groups gnomAD compares: Non-Finnish European, 0.0021%; no homozygotes.

Submissions (3):

Ambry Genetics
Classification: Likely benign for Familial thoracic aortic aneurysm and aortic dissection. Last evaluated: 2026-08-16. Review status: criteria provided, single submitter. Criteria: Ambry Variant Classification Scheme 2023. Collection method: clinical testing. Allele origin: germline.

Mayo Clinic Laboratories, Mayo Clinic
Classification: Likely benign. Last evaluated: 2025-06-25. Review status: criteria provided, single submitter. Criteria: ACMG Guidelines, 2015. Collection method: clinical testing. Allele origin: germline. Observed: 1 variant allele.
Comment: BP4, BP7

Labcorp Genetics (formerly Invitae), Labcorp
Classification: Likely benign for FG syndrome. Last evaluated: 2024-11-03. Review status: criteria provided, single submitter. Criteria: Invitae Variant Classification Sherloc (09022015). Collection method: clinical testing. Allele origin: germline.